The following is an entry in ClinVar:

NM_013276.4(SHPK):c.502T>C (p.Phe168Leu)

Gene: SHPK (sedoheptulokinase; minus strand). Cytogenetic location: 17p13.2.
Variant type: single nucleotide variant.
Coding change: c.502T>C on transcript NM_013276.4 (MANE Select); coding-DNA position 502, T replaced by C.
Protein change: p.Phe168Leu; replaces phenylalanine 168 with leucine.
Molecular consequence: missense variant.
Genome position (GRCh38, 1-based): chr17:3,623,484, A>G on the plus strand (T>C on the coding strand, the complement: SHPK is on the minus strand). VCF-style: chr17-3623484-A-G. GRCh37 (hg19) VCF-style: chr17-3526778-A-G.
Other names: c.502T>C (NM_013276.2); short protein forms F168L.
Identifiers: ClinVar variation 2974248 (VCV002974248.4), dbSNP rs771860970, ClinGen allele CA8291300.

ClinVar aggregate classification (germline): Uncertain significance. Review status: criteria provided, multiple submitters, no conflicts (2 of 4 stars). 2 submissions from 2 submitters: Uncertain significance (2). Last evaluated 2024-06-18.

Allele frequency attached by ClinVar (database versions not stated): ExAC 0.00001.

Submissions (2):

Ambry Genetics
Classification: Uncertain significance. Last evaluated: 2024-06-18. Review status: criteria provided, single submitter. Criteria: Ambry Variant Classification Scheme 2023. Collection method: clinical testing. Allele origin: germline.

Labcorp Genetics (formerly Invitae), Labcorp
Classification: Uncertain significance. Last evaluated: 2022-11-23. Review status: criteria provided, single submitter. Criteria: Invitae Variant Classification Sherloc (09022015). Collection method: clinical testing. Allele origin: germline.
Comment: Algorithms developed to predict the effect of missense changes on protein structure and function output the following: SIFT: "Tolerated"; PolyPhen-2: "Benign"; Align-GVGD: "Class C0". The leucine amino acid residue is found in multiple mammalian species, which suggests that this missense change does not adversely affect protein function. This sequence change replaces phenylalanine, which is neutral and non-polar, with leucine, which is neutral and non-polar, at codon 168 of the SHPK protein (p.Phe168Leu). This variant is present in population databases (rs771860970, gnomAD 0.0009%). This variant has not been reported in the literature in individuals affected with SHPK-related conditions. In summary, the available evidence is currently insufficient to determine the role of this variant in disease. Therefore, it has been classified as a Variant of Uncertain Significance.